The following is an entry in ClinVar:

ClinVar aggregate classification (germline): Pathogenic (1 of 4 stars; one submission).

Conditions:
Hereditary cancer-predisposing syndrome. Also called: Hereditary neoplastic syndrome; Tumor predisposition; Hereditary Cancer Syndrome; Neoplastic Syndromes, Hereditary. Identifiers: Orphanet 140162, MedGen C0027672, MeSH D009386, MONDO:0015356.

Submission:

Ambry Genetics
Classification: Pathogenic for Hereditary cancer-predisposing syndrome. Last evaluated: 2023-09-13. Review status: criteria provided, single submitter. Criteria: Ambry Variant Classification Scheme 2023. Collection method: clinical testing. Allele origin: germline.
Comment: The c.50_53delTGCT pathogenic mutation, located in coding exon 2 of the BAP1 gene, results from a deletion of 4 nucleotides at nucleotide positions 50 to 53, causing a translational frameshift with a predicted alternate stop codon (p.L17Pfs*54). This alteration has been observed in at least one individual with a personal and/or family history that is consistent with BAP1-related disease (Ambry internal data). This variant is considered to be rare based on population cohorts in the Genome Aggregation Database (gnomAD). This alteration is expected to result in loss of function by premature protein truncation or nonsense-mediated mRNA decay. As such, this alteration is interpreted as a disease-causing mutation.

NM_004656.4(BAP1):c.50_53del (p.Leu17fs)

Gene: BAP1 (BRCA1 associated deubiquitinase 1; minus strand). Cytogenetic location: 3p21.1.
Variant type: Deletion.
Coding change: c.50_53del on transcript NM_004656.4 (MANE Select); coding-DNA positions 50 to 53, 4 bases deleted (TGCT; older notation c.50_53delTGCT).
Protein change: p.Leu17fs; shifts the reading frame from leucine 17.
Molecular consequence: frameshift variant.
Genome position (GRCh38, 1-based): chr3:52,409,728-52,409,731, AGCA deleted on the plus strand (TGCT on the coding strand, the reverse complement: BAP1 is on the minus strand). VCF-style (leftmost placement, unchanged base first): chr3-52409727-GAGCA-G. GRCh37 (hg19) VCF-style: chr3-52443743-GAGCA-G.
Other names: c.50_53del, p.Leu17fs (NM_001410772.1); short protein forms L17fs.
Identifiers: ClinVar variation 2585685 (VCV002585685.2), dbSNP rs2471366155, ClinGen allele CA2582342866.
Genomic context (GRCh38, chr3:52,409,727, plus strand): 5'-GGGTGGGCCGCCACAGCCCCGGTCCGGCAGGGAGAAAAGGCTCTTACCGAAATCTTCCAC[GAGCA>G]GGGTGAAGAGGCCTGGGTGGGGCGACAAGAGGAGGGGGTGATGGTCAGGCAGGCGCGTCC-3'